The following is an entry in ClinVar:

NM_016156.6(MTMR2):c.59C>T (p.Pro20Leu)

Gene: MTMR2 (myotubularin related protein 2; minus strand). Cytogenetic location: 11q21.
Variant type: single nucleotide variant.
Coding change: c.59C>T on transcript NM_016156.6 (MANE Select); coding-DNA position 59, C replaced by T.
Protein change: p.Pro20Leu; replaces proline 20 with leucine.
Molecular consequence: missense variant. On other transcripts: 5 prime UTR variant (3).
Genome position (GRCh38, 1-based): chr11:95,923,896, G>A on the plus strand (C>T on the coding strand, the complement: MTMR2 is on the minus strand). VCF-style: chr11-95923896-G-A. GRCh37 (hg19) VCF-style: chr11-95657060-G-A.
Other names: c.-425C>T (NM_001243571.2); c.-352C>T (NM_201278.3); c.-229C>T (NM_201281.3); short protein forms P20L.
Identifiers: ClinVar variation 1423688 (VCV001423688.8), dbSNP rs952672162, ClinGen allele CA226613337.

ClinVar aggregate classification (germline): Uncertain significance (1 of 4 stars; one submission).

Conditions:
Charcot-Marie-Tooth disease type 4. Also called: Charcot-Marie-Tooth disease, type IV; Charcot-Marie-Tooth, Type 4. Identifiers: Orphanet 64749, MedGen C4082197, MONDO:0018995.

Allele frequency attached by ClinVar (database versions not stated): TOPMed below 0.00001.

Submission:

Labcorp Genetics (formerly Invitae), Labcorp
Classification: Uncertain significance for Charcot-Marie-Tooth disease type 4. Last evaluated: 2021-05-30. Review status: criteria provided, single submitter. Criteria: Invitae Variant Classification Sherloc (09022015). Collection method: clinical testing. Allele origin: germline.
Comment: In summary, the available evidence is currently insufficient to determine the role of this variant in disease. Therefore, it has been classified as a Variant of Uncertain Significance. Advanced modeling of protein sequence and biophysical properties (such as structural, functional, and spatial information, amino acid conservation, physicochemical variation, residue mobility, and thermodynamic stability) performed at Invitae indicates that this missense variant is not expected to disrupt MTMR2 protein function. This variant has not been reported in the literature in individuals with MTMR2-related conditions. The frequency data for this variant in the population databases is considered unreliable, as metrics indicate insufficient coverage at this position in the ExAC database. This sequence change replaces proline with leucine at codon 20 of the MTMR2 protein (p.Pro20Leu). The proline residue is moderately conserved and there is a moderate physicochemical difference between proline and leucine.